The following is an entry in ClinVar:

NM_014014.5(SNRNP200):c.3766G>A (p.Val1256Met)

Gene: SNRNP200 (small nuclear ribonucleoprotein U5 subunit 200; minus strand). Cytogenetic location: 2q11.2.
Variant type: single nucleotide variant.
Coding change: c.3766G>A on transcript NM_014014.5 (MANE Select); coding-DNA position 3766, G replaced by A.
Protein change: p.Val1256Met; replaces valine 1256 with methionine.
Molecular consequence: missense variant.
Genome position (GRCh38, 1-based): chr2:96,286,751, C>T on the plus strand (G>A on the coding strand, the complement: SNRNP200 is on the minus strand). VCF-style: chr2-96286751-C-T. GRCh37 (hg19) VCF-style: chr2-96952489-C-T.
Other names: short protein forms V1256M.
Identifiers: ClinVar variation 3648921 (VCV003648921.2).
Genomic context (GRCh38, chr2:96,286,751, plus strand): 5'-GCCAGCGGTCAGACACCACTCGGATGAAGTACTGAGGGGGCAGCGGTTCAAAGACAGGCA[C>T]GAAGAATGTAATGAGGTGCTCGTCCTGGGCGTACTTGGCCTTGAGGAGAAAATACTCATG-3'
Protein context (NP_054733.2, residues 1246-1266): AQDEHLITFF[Val1256Met]PVFEPLPPQY

ClinVar aggregate classification (germline): Uncertain significance (1 of 4 stars; one submission).

Submission:

Labcorp Genetics (formerly Invitae), Labcorp
Classification: Uncertain significance. Last evaluated: 2024-05-23. Review status: criteria provided, single submitter. Criteria: Invitae Variant Classification Sherloc (09022015). Collection method: clinical testing. Allele origin: germline.
Comment: This sequence change replaces valine, which is neutral and non-polar, with methionine, which is neutral and non-polar, at codon 1256 of the SNRNP200 protein (p.Val1256Met). This variant is not present in population databases (gnomAD no frequency). This variant has not been reported in the literature in individuals affected with SNRNP200-related conditions. Advanced modeling of protein sequence and biophysical properties (such as structural, functional, and spatial information, amino acid conservation, physicochemical variation, residue mobility, and thermodynamic stability) performed at Invitae indicates that this missense variant is expected to disrupt SNRNP200 protein function with a positive predictive value of 80%. In summary, the available evidence is currently insufficient to determine the role of this variant in disease. Therefore, it has been classified as a Variant of Uncertain Significance.